The following is an entry in ClinVar:

NM_000264.5(PTCH1):c.3639C>G (p.His1213Gln)

Gene: PTCH1 (patched 1; minus strand). Cytogenetic location: 9q22.32.
Variant type: single nucleotide variant.
Coding change: c.3639C>G on transcript NM_000264.5 (MANE Select); coding-DNA position 3639, C replaced by G.
Protein change: p.His1213Gln; replaces histidine 1213 with glutamine.
Molecular consequence: missense variant. On other transcripts: non-coding transcript variant (1).
Genome position (GRCh38, 1-based): chr9:95,449,234, G>C on the plus strand (C>G on the coding strand, the complement: PTCH1 is on the minus strand). VCF-style: chr9-95449234-G-C. GRCh37 (hg19) VCF-style: chr9-98211516-G-C.
Other names: c.3441C>G, p.His1147Gln (NM_001083602.3); c.3636C>G, p.His1212Gln (NM_001083603.3); c.3186C>G, p.His1062Gln (NM_001083604.3, NM_001083605.3, NM_001083606.3 and 1 more transcripts); c.3483C>G, p.His1161Gln (NM_001354918.2); short protein forms H1213Q, H1062Q, H1147Q, H1212Q, H1161Q.
Identifiers: ClinVar variation 1733465 (VCV001733465.2), dbSNP rs761797443, ClinGen allele CA374111245.

ClinVar aggregate classification (germline): Uncertain significance (1 of 4 stars; one submission).

Conditions:
Hereditary cancer-predisposing syndrome. Also called: Neoplastic Syndromes, Hereditary; Tumor predisposition; Hereditary Cancer Syndrome; Hereditary neoplastic syndrome. Identifiers: Orphanet 140162, MedGen C0027672, MeSH D009386, MONDO:0015356.

Submission:

Ambry Genetics
Classification: Uncertain significance for Hereditary cancer-predisposing syndrome. Last evaluated: 2022-05-28. Review status: criteria provided, single submitter. Criteria: Ambry Variant Classification Scheme 2023. Collection method: clinical testing. Allele origin: germline.
Comment: The p.H1213Q variant (also known as c.3639C>G), located in coding exon 22 of the PTCH1 gene, results from a C to G substitution at nucleotide position 3639. The histidine at codon 1213 is replaced by glutamine, an amino acid with highly similar properties. This amino acid position is conserved. In addition, this alteration is predicted to be tolerated by in silico analysis. Since supporting evidence is limited at this time, the clinical significance of this alteration remains unclear.